The following is an entry in ClinVar:

ClinVar aggregate classification (germline): Uncertain significance (1 of 4 stars; one submission).

Conditions:
Desbuquois dysplasia 1 (DBQD1). Also called: MICROMELIC DWARFISM WITH VERTEBRAL AND METAPHYSEAL ABNORMALITIES AND ADVANCED CARPOTARSAL OSSIFICATION; DESBUQUOIS DYSPLASIA 1, KIM VARIANT. Identifiers: Orphanet 1425, MedGen C4012146, MONDO:0009629, OMIM 251450.

Allele frequency attached by ClinVar (database versions not stated): TOPMed 0.00001.
gnomAD v4.1: 13 of 1,526,220 alleles (0.00085%); highest among the groups gnomAD compares: African/African-American, 0.0014%; no homozygotes.

Submission:

Labcorp Genetics (formerly Invitae), Labcorp
Classification: Uncertain significance for Desbuquois dysplasia 1. Last evaluated: 2018-06-05. Review status: criteria provided, single submitter. Criteria: Invitae Variant Classification Sherloc (09022015). Collection method: clinical testing. Allele origin: germline.
Comment: In summary, the available evidence is currently insufficient to determine the role of this variant in disease. Therefore, it has been classified as a Variant of Uncertain Significance. Algorithms developed to predict the effect of missense changes on protein structure and function are either unavailable or do not agree on the potential impact of this missense change (SIFT: "Tolerated"; PolyPhen-2: "Probably Damaging"; Align-GVGD: "Class C0"). This variant has not been reported in the literature in individuals with XYLT1-related disease. This sequence change replaces arginine with leucine at codon 277 of the XYLT1 protein (p.Arg277Leu). The arginine residue is highly conserved and there is a moderate physicochemical difference between arginine and leucine. This variant is present in population databases (rs751753807, ExAC 0.01%).

NM_022166.4(XYLT1):c.830G>T (p.Arg277Leu)

Gene: XYLT1 (xylosyltransferase 1; minus strand). Cytogenetic location: 16p12.3.
Variant type: single nucleotide variant.
Coding change: c.830G>T on transcript NM_022166.4 (MANE Select); coding-DNA position 830, G replaced by T.
Protein change: p.Arg277Leu; replaces arginine 277 with leucine.
Molecular consequence: missense variant.
Genome position (GRCh38, 1-based): chr16:17,259,071, C>A on the plus strand (G>T on the coding strand, the complement: XYLT1 is on the minus strand). VCF-style: chr16-17259071-C-A. GRCh37 (hg19) VCF-style: chr16-17352928-C-A.
Other names: short protein forms R277L.
Identifiers: ClinVar variation 572688 (VCV000572688.6), dbSNP rs751753807, ClinGen allele CA7928099.
Genomic context (GRCh38, chr16:17,259,071, plus strand): 5'-ACCTTCTCAGGCATCAGCAGCCCTAACTTGTGGCGGCAGTAAGTCTCCCCAATCTCCTGG[C>A]GGCAGTGCTTGGACTTAGCACGGGACAGGGCAGAGATGGCCTCCTTGCCTGAGATGTCAC-3'
Protein context (NP_071449.1, residues 267-287): ALSRAKSKHC[Arg277Leu]QEIGETYCRH